The following is an entry in ClinVar:

ClinVar aggregate classification (germline): Uncertain significance. Review status: criteria provided, multiple submitters, no conflicts (2 of 4 stars). 2 submissions from 2 submitters: Uncertain significance (2). Last evaluated 2025-12-16.

Conditions:
Schimke immuno-osseous dysplasia (SIOD). Also called: Schimke Immunoosseous Dysplasia. Identifiers: Orphanet 1830, MedGen C0877024, MONDO:0009458, OMIM 242900.
Inborn genetic diseases. Identifiers: MedGen C0950123, MeSH D030342.

Allele frequency attached by ClinVar (database versions not stated): gnomAD 0.00002; TOPMed 0.00003; ESP Exome Variant Server 0.00023; ExAC 0.00002.
gnomAD v4.1: 6 of 1,613,842 alleles (0.00037%); highest among the groups gnomAD compares: African/African-American, 0.0067%; no homozygotes.

Submissions (2):

Ambry Genetics
Classification: Uncertain significance for Inborn genetic diseases. Last evaluated: 2025-12-16. Review status: criteria provided, single submitter. Criteria: Ambry Variant Classification Scheme 2023. Collection method: clinical testing. Allele origin: germline.

Labcorp Genetics (formerly Invitae), Labcorp
Classification: Uncertain significance for Schimke immuno-osseous dysplasia. Last evaluated: 2022-07-12. Review status: criteria provided, single submitter. Criteria: Invitae Variant Classification Sherloc (09022015). Collection method: clinical testing. Allele origin: germline.
Comment: This sequence change replaces leucine, which is neutral and non-polar, with valine, which is neutral and non-polar, at codon 729 of the SMARCAL1 protein (p.Leu729Val). This variant is present in population databases (rs369163180, gnomAD 0.01%). This variant has not been reported in the literature in individuals affected with SMARCAL1-related conditions. Algorithms developed to predict the effect of missense changes on protein structure and function are either unavailable or do not agree on the potential impact of this missense change (SIFT: "Deleterious"; PolyPhen-2: "Probably Damaging"; Align-GVGD: "Class C0"). In summary, the available evidence is currently insufficient to determine the role of this variant in disease. Therefore, it has been classified as a Variant of Uncertain Significance.

NM_014140.4(SMARCAL1):c.2185T>G (p.Leu729Val)

Gene: SMARCAL1 (SNF2 related chromatin remodeling annealing helicase 1; plus strand). Cytogenetic location: 2q35.
Variant type: single nucleotide variant.
Coding change: c.2185T>G on transcript NM_014140.4 (MANE Select); coding-DNA position 2185, T replaced by G.
Protein change: p.Leu729Val; replaces leucine 729 with valine.
Molecular consequence: missense variant.
Genome position (GRCh38, 1-based): chr2:216,467,987, T>G. VCF-style: chr2-216467987-T-G. GRCh37 (hg19) VCF-style: chr2-217332710-T-G.
Other names: c.2185T>G, p.Leu729Val (NM_001127207.2); short protein forms L729V.
Identifiers: ClinVar variation 2147561 (VCV002147561.2), dbSNP rs369163180, ClinGen allele CA2098136.
Genomic context (GRCh38, chr2:216,467,987, plus strand): 5'-GTCATTGTCAAATGCAGTGAATATATCTTGGACCTACTGGAAAGTGGAAGAGAGAAGTTT[T>G]TAGTATTTGCACACCATAAGGTGGTCCTGGACGCAATTACGCAAGAGCTTGAGAGAAAGG-3'
Protein context (NP_054859.2, residues 719-739): DLLESGREKF[Leu729Val]VFAHHKVVLD